The following is an entry in ClinVar:

NM_002667.5(PLN):c.144C>T (p.Ile48=)

Genes: CEP85L (centrosomal protein 85L; minus strand), PLN (phospholamban; plus strand). Cytogenetic location: 6q22.31.
Variant type: single nucleotide variant.
Coding change: c.144C>T on transcript NM_002667.5 (MANE Select); coding-DNA position 144, C replaced by T.
Protein change: p.Ile48=; no amino-acid change (isoleucine 48 retained).
Molecular consequence: synonymous variant. On other transcripts: intron variant (3).
Genome position (GRCh38, 1-based): chr6:118,559,065, C>T. VCF-style: chr6-118559065-C-T. GRCh37 (hg19) VCF-style: chr6-118880228-C-T.
Other names: c.1029+6464G>A (NM_001178035.2); c.1020+6464G>A (NM_001042475.3, NM_206921.3).
Identifiers: ClinVar variation 700703 (VCV000700703.16), dbSNP rs141114252, ClinGen allele CA3977977.

ClinVar aggregate classification (germline): Likely benign. Review status: criteria provided, multiple submitters, no conflicts (2 of 4 stars). 4 submissions from 4 submitters: Likely benign (3). 1 of the submissions does not count toward it. Last evaluated 2025-08-26.

Conditions:
Dilated cardiomyopathy 1P (CMD1P). Identifiers: Orphanet 154, MedGen C1835928, MONDO:0012362, OMIM 609909.
PLN-related disorder. Also called: PLN-related condition.
Cardiovascular phenotype. Identifiers: MedGen CN230736.

Allele frequency attached by ClinVar (database versions not stated): gnomAD exomes below 0.00001 and 0.00002; ExAC 0.00002; gnomAD 0.00004 and 0.00005; ESP Exome Variant Server 0.00008; TOPMed 0.00010.
gnomAD v4.1: 12 of 1,610,948 alleles (0.00074%); highest among the groups gnomAD compares: African/African-American, 0.0094%; no homozygotes.

Submissions (4):

Labcorp Genetics (formerly Invitae), Labcorp
Classification: Likely benign for Dilated cardiomyopathy 1P. Last evaluated: 2025-08-26. Review status: criteria provided, single submitter. Criteria: Invitae Variant Classification Sherloc (09022015). Collection method: clinical testing. Allele origin: germline.

Ambry Genetics
Classification: Likely benign for Cardiovascular phenotype. Last evaluated: 2023-10-29. Review status: criteria provided, single submitter. Criteria: Ambry Variant Classification Scheme 2023. Collection method: clinical testing. Allele origin: germline.

GeneDx
Classification: Likely benign. Last evaluated: 2020-10-09. Review status: criteria provided, single submitter. Criteria: GeneDx Variant Classification Process June 2021. Collection method: clinical testing. Allele origin: germline. Affected: yes.

PreventionGenetics, part of Exact Sciences
Classification: Likely benign for PLN-related condition. Last evaluated: 2020-04-13. Review status: no assertion criteria provided. Collection method: clinical testing. Allele origin: germline. Not counted in ClinVar's aggregate classification.
Comment: This variant is classified as likely benign based on ACMG/AMP sequence variant interpretation guidelines (Richards et al. 2015 PMID: 25741868, with internal and published modifications).